The following is an entry in ClinVar:

NM_007373.4(SHOC2):c.484C>T (p.Pro162Ser)

Gene: SHOC2 (SHOC2 leucine rich repeat scaffold protein; plus strand). Cytogenetic location: 10q25.2.
Variant type: single nucleotide variant.
Coding change: c.484C>T on transcript NM_007373.4 (MANE Select); coding-DNA position 484, C replaced by T.
Protein change: p.Pro162Ser; replaces proline 162 with serine.
Molecular consequence: missense variant.
Genome position (GRCh38, 1-based): chr10:110,964,842, C>T. VCF-style: chr10-110964842-C-T. GRCh37 (hg19) VCF-style: chr10-112724600-C-T.
Other names: c.484C>T, p.Pro162Ser (NM_001269039.3, NM_001324336.2, NM_001324337.2); short protein forms P162S.
Identifiers: ClinVar variation 3795709 (VCV003795709.1).

ClinVar aggregate classification (germline): Uncertain significance (1 of 4 stars; one submission).

Conditions:
Cardiovascular phenotype. Identifiers: MedGen CN230736.

Submission:

Ambry Genetics
Classification: Uncertain significance for Cardiovascular phenotype. Last evaluated: 2025-01-28. Review status: criteria provided, single submitter. Criteria: Ambry Variant Classification Scheme 2023. Collection method: clinical testing. Allele origin: germline.
Comment: The p.P162S variant (also known as c.484C>T), located in coding exon 1 of the SHOC2 gene, results from a C to T substitution at nucleotide position 484. The proline at codon 162 is replaced by serine, an amino acid with similar properties. This amino acid position is conserved. In addition, the in silico prediction for this alteration is inconclusive. Based on the available evidence, the clinical significance of this variant remains unclear.